The following is an entry in ClinVar:

NM_001999.4(FBN2):c.3236C>T (p.Ala1079Val)

Gene: FBN2 (fibrillin 2; minus strand). Cytogenetic location: 5q23.3.
Variant type: single nucleotide variant.
Coding change: c.3236C>T on transcript NM_001999.4 (MANE Select); coding-DNA position 3236, C replaced by T.
Protein change: p.Ala1079Val; replaces alanine 1079 with valine.
Molecular consequence: missense variant.
Genome position (GRCh38, 1-based): chr5:128,344,492, G>A on the plus strand (C>T on the coding strand, the complement: FBN2 is on the minus strand). VCF-style: chr5-128344492-G-A. GRCh37 (hg19) VCF-style: chr5-127680184-G-A.
Other names: short protein forms A1079V.
Identifiers: ClinVar variation 618127 (VCV000618127.9), dbSNP rs1561781258, ClinGen allele CA360762262.

ClinVar aggregate classification (germline): Uncertain significance. Review status: criteria provided, multiple submitters, no conflicts (2 of 4 stars). 2 submissions from 2 submitters: Uncertain significance (2). Last evaluated 2025-07-30.

Conditions:
Congenital contractural arachnodactyly (CCA). Also called: BEALS SYNDROME; Beals-Hecht syndrome; Arthrogryposis, distal, type 9. Identifiers: Orphanet 115, MedGen C0220668, MONDO:0007363, OMIM 121050.

Submissions (2):

Labcorp Genetics (formerly Invitae), Labcorp
Classification: Uncertain significance for Congenital contractural arachnodactyly. Last evaluated: 2025-07-30. Review status: criteria provided, single submitter. Criteria: Invitae Variant Classification Sherloc (09022015). Collection method: clinical testing. Allele origin: germline.
Comment: This sequence change replaces alanine, which is neutral and non-polar, with valine, which is neutral and non-polar, at codon 1079 of the FBN2 protein (p.Ala1079Val). This variant is not present in population databases (gnomAD no frequency). This variant has not been reported in the literature in individuals affected with FBN2-related conditions. ClinVar contains an entry for this variant (Variation ID: 618127). Invitae Evidence Modeling of protein sequence and biophysical properties (such as structural, functional, and spatial information, amino acid conservation, physicochemical variation, residue mobility, and thermodynamic stability) indicates that this missense variant is not expected to disrupt FBN2 protein function with a negative predictive value of 80%. In summary, the available evidence is currently insufficient to determine the role of this variant in disease. Therefore, it has been classified as a Variant of Uncertain Significance.

ARUP Laboratories, Molecular Genetics and Genomics, ARUP Laboratories
Classification: Uncertain significance. Last evaluated: 2018-02-13. Review status: criteria provided, single submitter. Criteria: ARUP Molecular Germline Variant Investigation Process. Collection method: clinical testing. Allele origin: germline.
Comment: The FBN2 c.3236C>T; p.Ala1079Val variant, to our knowledge, is not reported in the medical literature, gene specific variation databases, nor has it been previously identified by our laboratory. This variant is absent from the general population databases (1000 Genomes Project, Exome Variant Server, Genome Aggregation Database), indicating it is not a common polymorphism. The alanine at position 1079 is moderately conserved, considering 11 species, and computational analyses of the effects of the p.Ala1079Val variant on protein structure and function do not predict a deleterious effect (SIFT: tolerated, PolyPhen-2: benign). Based on the available information, the clinical significance of the p.Ala1079Val variant cannot be determined with certainty.